The following is an entry in ClinVar:

NM_001165963.4(SCN1A):c.1635T>G (p.Tyr545Ter)

Gene: SCN1A (sodium voltage-gated channel alpha subunit 1; minus strand). Cytogenetic location: 2q24.3.
Variant type: single nucleotide variant.
Coding change: c.1635T>G on transcript NM_001165963.4 (MANE Select); coding-DNA position 1635, T replaced by G.
Protein change: p.Tyr545Ter; replaces tyrosine 545 with a stop codon.
Molecular consequence: nonsense. On other transcripts: 5 prime UTR variant (1), non-coding transcript variant (1).
Genome position (GRCh38, 1-based): chr2:166,045,070, A>C on the plus strand (T>G on the coding strand, the complement: SCN1A is on the minus strand). VCF-style: chr2-166045070-A-C. GRCh37 (hg19) VCF-style: chr2-166901580-A-C.
Other names: c.1635T>G, p.Tyr545Ter (NM_001165964.3, NM_001202435.3, NM_001353948.2 and 7 more transcripts); c.1632T>G, p.Tyr544Ter (NM_001353954.2, NM_001353955.2, NM_001353960.2); c.-791T>G (NM_001353961.2); short protein forms Y544*, Y545*.
Identifiers: ClinVar variation 2033612 (VCV002033612.4), dbSNP rs2468164977, ClinGen allele CA349069078.

ClinVar aggregate classification (germline): Pathogenic (1 of 4 stars; one submission).

Conditions:
Early-infantile DEE. Also called: Ohtahara syndrome; Early infantile epileptic encephalopathy with suppression bursts; Early infantile epileptic encephalopathy. Identifiers: Orphanet 1934, MedGen C0393706, MONDO:0800491.

Submission:

Labcorp Genetics (formerly Invitae), Labcorp
Classification: Pathogenic for Early-infantile DEE. Last evaluated: 2022-10-01. Review status: criteria provided, single submitter. Criteria: Invitae Variant Classification Sherloc (09022015). Collection method: clinical testing. Allele origin: germline.
Comment: For these reasons, this variant has been classified as Pathogenic. This sequence change creates a premature translational stop signal (p.Tyr545*) in the SCN1A gene. It is expected to result in an absent or disrupted protein product. Loss-of-function variants in SCN1A are known to be pathogenic (PMID: 17347258, 18930999). This variant is not present in population databases (gnomAD no frequency). This variant has not been reported in the literature in individuals affected with SCN1A-related conditions.

Literature cited by the submitters: PubMed 17347258; PubMed 18930999.